The following is an entry in ClinVar:

ClinVar aggregate classification (germline): Uncertain significance (1 of 4 stars; one submission).

Conditions:
Hereditary cancer-predisposing syndrome. Also called: Neoplastic Syndromes, Hereditary; Tumor predisposition; Hereditary Cancer Syndrome; Hereditary neoplastic syndrome. Identifiers: Orphanet 140162, MedGen C0027672, MeSH D009386, MONDO:0015356.

Submission:

Color Diagnostics, LLC DBA Color Health
Classification: Uncertain significance for Hereditary cancer-predisposing syndrome. Last evaluated: 2023-12-04. Review status: criteria provided, single submitter. Criteria: ACMG Guidelines, 2015. Collection method: clinical testing. Allele origin: germline.
Comment: This missense variant replaces threonine with asparagine at codon 966 of the MSH6 protein. Computational prediction suggests that this variant may not impact protein structure and function (internally defined REVEL score threshold <= 0.5, PMID: 27666373). To our knowledge, functional studies have not been reported for this variant. This variant has not been reported in individuals affected with MSH6-related disorders in the literature. This variant has not been identified in the general population by the Genome Aggregation Database (gnomAD). The available evidence is insufficient to determine the role of this variant in disease conclusively. Therefore, this variant is classified as a Variant of Uncertain Significance.

NM_000179.3(MSH6):c.2897C>A (p.Thr966Asn)

Gene: MSH6 (mutS homolog 6; plus strand). Cytogenetic location: 2p16.3.
Variant type: single nucleotide variant.
Coding change: c.2897C>A on transcript NM_000179.3 (MANE Select); coding-DNA position 2897, C replaced by A.
Protein change: p.Thr966Asn; replaces threonine 966 with asparagine.
Molecular consequence: missense variant.
Genome position (GRCh38, 1-based): chr2:47,800,880, C>A. VCF-style: chr2-47800880-C-A. GRCh37 (hg19) VCF-style: chr2-48028019-C-A.
Other names: c.2507C>A, p.Thr836Asn (NM_001281492.2); c.1991C>A, p.Thr664Asn (NM_001281493.2, NM_001281494.2); short protein forms T966N, T836N, T664N.
Identifiers: ClinVar variation 918990 (VCV000918990.4), dbSNP rs1183568138, ClinGen allele CA346756093.
Genomic context (GRCh38, chr2:47,800,880, plus strand): 5'-AAAATGAACAGAGCCTCCTGGAATACCTAGAGAAACAGCGCAACAGAATTGGCTGTAGGA[C>A]CATAGTCTATTGGGGGATTGGTAGGAACCGTTACCAGCTGGAAATTCCTGAGAATTTCAC-3'
Protein context (NP_000170.1, residues 956-976): EKQRNRIGCR[Thr966Asn]IVYWGIGRNR